The following is an entry in ClinVar:

ClinVar aggregate classification (germline): Likely pathogenic (1 of 4 stars; one submission).

Conditions:
Autosomal recessive nonsyndromic hearing loss 77. Identifiers: Orphanet 90636, MedGen C2746083, MONDO:0013119, OMIM 613079.

gnomAD v4.1: 2 of 1,548,226 alleles (0.00013%); highest among the groups gnomAD compares: African/African-American, 0.0014%; no homozygotes.

Submission:

Natera, Inc.
Classification: Likely pathogenic for Autosomal recessive deafness type 77. Last evaluated: 2025-07-18. Review status: criteria provided, single submitter. Criteria: Natera Variant Classification Schema (03/2026). Collection method: clinical testing. Allele origin: germline.
Comment: The c.5331+2T>C variant in LOXHD1 is a canonical splice donor site variant predicted to affect pre-mRNA splicing, which may result in an abnormal transcript and altered protein product. This variant is expected to result in nonsense mediated decay, truncation, or a dysfunctional protein product. This variant is rare in the general population with a frequency below the threshold expected for the associated phenotype(s). Given the available evidence, this variant is classified as Likely Pathogenic.

NM_001384474.1(LOXHD1):c.5517+2T>C

Gene: LOXHD1 (lipoxygenase homology PLAT domains 1; minus strand). Cytogenetic location: 18q21.1.
Variant type: single nucleotide variant.
Coding change: c.5517+2T>C on transcript NM_001384474.1 (MANE Select); the canonical splice donor site of the intron after coding-DNA position 5517, T replaced by C.
Molecular consequence: splice donor variant.
Genome position (GRCh38, 1-based): chr18:46,509,696, A>G on the plus strand (T>C on the coding strand, the complement: LOXHD1 is on the minus strand). VCF-style: chr18-46509696-A-G. GRCh37 (hg19) VCF-style: chr18-44089659-A-G.
Other names: c.2184+2T>C (NM_001145472.3); c.1896+2T>C (NM_001308013.2); c.234+2T>C (NM_001173129.2, NM_001145473.3); c.5331+2T>C (NM_144612.7).
Identifiers: ClinVar variation 4816840 (VCV004816840.1).